The following is an entry in ClinVar:

ClinVar aggregate classification (germline): Conflicting classifications of pathogenicity. Review status: criteria provided, conflicting classifications (1 of 4 stars). 4 submissions from 4 submitters: Uncertain significance (1); Likely benign (2). 1 of the submissions does not count toward it. Last evaluated 2025-11-17.

Conditions:
SCN9A-related disorder. Also called: SCN9A-related disorders; SCN9A-related condition.
Generalized epilepsy with febrile seizures plus, type 7 (GEFSP7). Also called: GEFS+, TYPE 7. Identifiers: Orphanet 36387, MedGen C2751778, MONDO:0013470, OMIM 613863.
Neuropathy, hereditary sensory and autonomic, type 2A (HSAN2A). Also called: WNK1-Related HSAN2 (HSAN2A); MORVAN DISEASE; NEUROPATHY, CONGENITAL SENSORY; NEUROPATHY, HEREDITARY SENSORY RADICULAR, AUTOSOMAL RECESSIVE; NEUROPATHY, HEREDITARY SENSORY, TYPE IIA; NEUROPATHY, PROGRESSIVE SENSORY, OF CHILDREN. Identifiers: Orphanet 970, MedGen C2752089, MONDO:0024309, OMIM 201300.
Inborn genetic diseases. Identifiers: MedGen C0950123, MeSH D030342.

Allele frequency attached by ClinVar (database versions not stated): ExAC 0.00001; gnomAD exomes 0.00001 and 0.00002; gnomAD 0.00006; TOPMed 0.00007; ESP Exome Variant Server 0.00008; 1000 Genomes Project 0.00020; 1000 Genomes Project 30x 0.00031.
gnomAD v4.1: 22 of 1,613,596 alleles (0.0014%); highest among the groups gnomAD compares: African/African-American, 0.028%; no homozygotes.

Submissions (4):

Labcorp Genetics (formerly Invitae), Labcorp
Classification: Likely benign for Neuropathy, hereditary sensory and autonomic, type 2A; Generalized epilepsy with febrile seizures plus, type 7. Last evaluated: 2025-11-17. Review status: criteria provided, single submitter. Criteria: Invitae Variant Classification Sherloc (09022015). Collection method: clinical testing. Allele origin: germline.

Ambry Genetics
Classification: Likely benign for Inborn genetic diseases. Last evaluated: 2019-07-11. Review status: criteria provided, single submitter. Criteria: Ambry Variant Classification Scheme 2023. Collection method: clinical testing. Allele origin: germline.

Eurofins Ntd Llc (ga)
Classification: Uncertain significance. Last evaluated: 2016-11-15. Review status: criteria provided, single submitter. Criteria: EGL Classification Definitions 2015. Collection method: clinical testing. Allele origin: germline. Observed: 1 variant allele, 1 heterozygote.

PreventionGenetics, part of Exact Sciences
Classification: Likely benign for SCN9A-related condition. Last evaluated: 2019-05-22. Review status: no assertion criteria provided. Collection method: clinical testing. Allele origin: germline. Not counted in ClinVar's aggregate classification.
Comment: This variant is classified as likely benign based on ACMG/AMP sequence variant interpretation guidelines (Richards et al. 2015 PMID: 25741868, with internal and published modifications).

NM_001365536.1(SCN9A):c.642A>G (p.Arg214=)

Gene: SCN9A (sodium voltage-gated channel alpha subunit 9; minus strand). Cytogenetic location: 2q24.3.
Variant type: single nucleotide variant.
Coding change: c.642A>G on transcript NM_001365536.1 (MANE Select); coding-DNA position 642, A replaced by G.
Protein change: p.Arg214=; no amino-acid change (arginine 214 retained).
Molecular consequence: synonymous variant.
Genome position (GRCh38, 1-based): chr2:166,304,284, T>C on the plus strand (A>G on the coding strand, the complement: SCN9A is on the minus strand). VCF-style: chr2-166304284-T-C. GRCh37 (hg19) VCF-style: chr2-167160794-T-C.
Other names: c.642A>G, p.Arg214= (NM_002977.4).
Identifiers: ClinVar variation 498084 (VCV000498084.19), dbSNP rs376908183, ClinGen allele CA1944740.